The following is an entry in ClinVar:

NM_032043.3(BRIP1):c.2056A>G (p.Thr686Ala)

Gene: BRIP1 (BRCA1 interacting DNA helicase 1; minus strand). Cytogenetic location: 17q23.2.
Variant type: single nucleotide variant.
Coding change: c.2056A>G on transcript NM_032043.3 (MANE Select); coding-DNA position 2056, A replaced by G.
Protein change: p.Thr686Ala; replaces threonine 686 with alanine.
Molecular consequence: missense variant.
Genome position (GRCh38, 1-based): chr17:61,776,442, T>C on the plus strand (A>G on the coding strand, the complement: BRIP1 is on the minus strand). VCF-style: chr17-61776442-T-C. GRCh37 (hg19) VCF-style: chr17-59853803-T-C.
Other names: short protein forms T686A.
Identifiers: ClinVar variation 461092 (VCV000461092.24), dbSNP rs769820537, ClinGen allele CA8690605.

ClinVar aggregate classification (germline): Uncertain significance. Review status: criteria provided, multiple submitters, no conflicts (2 of 4 stars). 8 submissions from 8 submitters: Uncertain significance (8). Last evaluated 2025-09-04.

Conditions:
Familial cancer of breast. Also called: hereditary breast carcinoma; Hereditary breast cancer; BREAST CANCER, FAMILIAL. Identifiers: Orphanet 227535, MedGen C0346153, MONDO:0016419, OMIM 114480. Disease mechanism: loss of function.
Fanconi anemia complementation group J. Also called: BRIP1-Related Fanconi Anemia. Identifiers: Orphanet 84, MedGen C1836860, MONDO:0012187, OMIM 609054.
Breast and/or ovarian cancer. Identifiers: MedGen CN221562.
Hereditary cancer-predisposing syndrome. Also called: Neoplastic Syndromes, Hereditary; Hereditary Cancer Syndrome; Hereditary neoplastic syndrome; Tumor predisposition. Identifiers: Orphanet 140162, MedGen C0027672, MeSH D009386, MONDO:0015356.

Allele frequency attached by ClinVar (database versions not stated): ExAC 0.00001; gnomAD 0.00001; gnomAD exomes 0.00001.
gnomAD v4.1: 18 of 1,614,032 alleles (0.0011%); highest among the groups gnomAD compares: Non-Finnish European, 0.0015%; no homozygotes.

Submissions (8):

Ambry Genetics
Classification: Uncertain significance for Hereditary cancer-predisposing syndrome. Last evaluated: 2025-09-04. Review status: criteria provided, single submitter. Criteria: Ambry Variant Classification Scheme 2023. Collection method: clinical testing. Allele origin: germline.
Comment: The p.T686A variant (also known as c.2056A>G), located in coding exon 13 of the BRIP1 gene, results from an A to G substitution at nucleotide position 2056. The threonine at codon 686 is replaced by alanine, an amino acid with similar properties. This alteration has been identified in an individual with breast cancer and an individual with prostate cancer (Easton DF et al. J. Med. Genet. 2016 05;53(5):298-309; Ray AM et al. Br. J. Cancer 2009 Dec;101(12):2043-7). This amino acid position is not well conserved in available vertebrate species. In addition, this alteration is predicted to be tolerated by in silico analysis. Since supporting evidence is limited at this time, the clinical significance of this alteration remains unclear.

Labcorp Genetics (formerly Invitae), Labcorp
Classification: Uncertain significance for Familial cancer of breast; Fanconi anemia complementation group J. Last evaluated: 2025-01-29. Review status: criteria provided, single submitter. Criteria: Invitae Variant Classification Sherloc (09022015). Collection method: clinical testing. Allele origin: germline.
Comment: This sequence change replaces threonine, which is neutral and polar, with alanine, which is neutral and non-polar, at codon 686 of the BRIP1 protein (p.Thr686Ala). The frequency data for this variant in the population databases is considered unreliable, as metrics indicate poor data quality at this position in the gnomAD database. This missense change has been observed in individual(s) with prostate cancer (PMID: 19935797, 26921362). ClinVar contains an entry for this variant (Variation ID: 461092). Invitae Evidence Modeling of protein sequence and biophysical properties (such as structural, functional, and spatial information, amino acid conservation, physicochemical variation, residue mobility, and thermodynamic stability) indicates that this missense variant is not expected to disrupt BRIP1 protein function with a negative predictive value of 95%. In summary, the available evidence is currently insufficient to determine the role of this variant in disease. Therefore, it has been classified as a Variant of Uncertain Significance.

Quest Diagnostics Nichols Institute San Juan Capistrano
Classification: Uncertain significance. Last evaluated: 2024-10-22. Review status: criteria provided, single submitter. Criteria: Quest Diagnostics criteria. Collection method: clinical testing. Allele origin: unknown.
Comment: The BRIP1 c.2056A>G (p.Thr686Ala) variant has been reported in the published literature in individuals with breast cancer (PMID: 26921362 (2016)) and prostate cancer (PMID: 19935797 (2009)). The frequency of this variant in the general population, 0.000032 (1/31402 chromosomes (Genome Aggregation Database)), is uninformative in the assessment of its pathogenicity. Analysis of this variant using bioinformatics tools for the prediction of the effect of amino acid changes on protein structure and function yielded predictions that this variant is benign. Based on the available information, we are unable to determine the clinical significance of this variant.

Color Diagnostics, LLC DBA Color Health
Classification: Uncertain significance for Hereditary cancer-predisposing syndrome. Last evaluated: 2024-09-24. Review status: criteria provided, single submitter. Criteria: ACMG Guidelines, 2015. Collection method: clinical testing. Allele origin: germline.
Comment: This missense variant replaces threonine with alanine at codon 686 of the BRIP1 protein. Computational prediction suggests that this variant may not impact protein structure and function. To our knowledge, functional studies have not been reported for this variant. This variant has been reported in individuals affected with breast cancer and prostate cancer (PMID: 19935797, 26921362). This variant has been identified in 1/31402 chromosomes in the general population by the Genome Aggregation Database (gnomAD). The available evidence is insufficient to determine the role of this variant in disease conclusively. Therefore, this variant is classified as a Variant of Uncertain Significance.

Baylor Genetics
Classification: Uncertain significance for Familial cancer of breast. Last evaluated: 2023-10-05. Review status: criteria provided, single submitter. Criteria: ACMG Guidelines, 2015. Collection method: clinical testing. Allele origin: unknown.

CHEO Genetics Diagnostic Laboratory, Children's Hospital of Eastern Ontario
Classification: Uncertain significance for Breast and/or ovarian cancer. Last evaluated: 2022-03-15. Review status: criteria provided, single submitter. Criteria: ACMG Guidelines, 2015. Collection method: clinical testing. Allele origin: germline.

Blueprint Genetics
Classification: Uncertain significance. Last evaluated: 2021-05-19. Review status: criteria provided, single submitter. Criteria: ACMG Guidelines, 2015. Collection method: clinical testing. Allele origin: germline.

Women's Health and Genetics/Laboratory Corporation of America, LabCorp
Classification: Uncertain significance. Last evaluated: 2021-02-20. Review status: criteria provided, single submitter. Criteria: LabCorp Variant Classification Summary - May 2015. Collection method: clinical testing. Allele origin: germline.
Comment: Variant summary: BRIP1 c.2056A>G (p.Thr686Ala) results in a non-conservative amino acid change located in the ATP-dependent helicase, C-terminal domain (IPR006555) of the encoded protein sequence. Three of five in-silico tools predict a benign effect of the variant on protein function. The variant was absent in 251360 control chromosomes. The available data on variant occurrences in the general population are insufficient to allow any conclusion about variant significance. c.2056A>G has been reported in the literature in sequencing studies of individuals affected with prostate and breast cancer (example, Ray_2009, Easton_2016). These report(s) do not provide unequivocal conclusions about association of the variant with Hereditary Breast And Ovarian Cancer Syndrome or Fanconi Anaemia Complementation group J. To our knowledge, no experimental evidence demonstrating an impact on protein function has been reported. Three clinical diagnostic laboratories have submitted clinical-significance assessments for this variant to ClinVar after 2014. All laboratories classified the variant as uncertain significance, some citing overlapping evidence utilized in the context of this evaluation. Based on the evidence outlined above, the variant was classified as uncertain significance.

Literature cited by the submitters: PubMed 19935797 (cited by 4 submitters); PubMed 26921362 (cited by 4 submitters).